The following is an entry in ClinVar:

NM_005591.4(MRE11):c.1202A>G (p.His401Arg)

Gene: MRE11 (MRE11 double strand break repair nuclease; minus strand). Cytogenetic location: 11q21.
Variant type: single nucleotide variant.
Coding change: c.1202A>G on transcript NM_005591.4 (MANE Select); coding-DNA position 1202, A replaced by G.
Protein change: p.His401Arg; replaces histidine 401 with arginine.
Molecular consequence: missense variant.
Genome position (GRCh38, 1-based): chr11:94,464,136, T>C on the plus strand (A>G on the coding strand, the complement: MRE11 is on the minus strand). VCF-style: chr11-94464136-T-C. GRCh37 (hg19) VCF-style: chr11-94197302-T-C.
Other names: c.1202A>G, p.His401Arg (NM_001330347.2, NM_005590.4); short protein forms H401R.
Identifiers: ClinVar variation 60649 (VCV000060649.14), dbSNP rs146779325, ClinGen allele CA144587.

ClinVar aggregate classification (germline): Uncertain significance. Review status: criteria provided, multiple submitters, no conflicts (2 of 4 stars). 3 submissions from 3 submitters: Uncertain significance (2). 1 of the submissions does not count toward it. Last evaluated 2025-11-22.

Conditions:
Ataxia-telangiectasia-like disorder (ATLD). Identifiers: MedGen C1858391, MONDO:0011457.
Hereditary cancer-predisposing syndrome. Also called: Neoplastic Syndromes, Hereditary; Hereditary neoplastic syndrome; Tumor predisposition; Hereditary Cancer Syndrome. Identifiers: Orphanet 140162, MedGen C0027672, MeSH D009386, MONDO:0015356.
Malignant tumor of urinary bladder. Also called: Urinary Bladder Neoplasms; Bladder cancer; Urinary bladder cancer. Identifiers: MedGen C0005684, MONDO:0001187, OMIM 109800.

Allele frequency attached by ClinVar (database versions not stated): ExAC 0.00002; gnomAD exomes 0.00002; ESP Exome Variant Server 0.00008.
gnomAD v4.1: 29 of 1,613,794 alleles (0.0018%); highest among the groups gnomAD compares: Non-Finnish European, 0.0023%; no homozygotes.

Submissions (3):

Ambry Genetics
Classification: Uncertain significance for Hereditary cancer-predisposing syndrome. Last evaluated: 2025-11-22. Review status: criteria provided, single submitter. Criteria: Ambry Variant Classification Scheme 2023. Collection method: clinical testing. Allele origin: germline.
Comment: The p.H401R variant (also known as c.1202A>G), located in coding exon 10 of the MRE11A gene, results from an A to G substitution at nucleotide position 1202. The histidine at codon 401 is replaced by arginine, an amino acid with highly similar properties. This amino acid position is not well conserved in available vertebrate species. In addition, this alteration is predicted to be tolerated by in silico analysis. Since supporting evidence is limited at this time, the clinical significance of this alteration remains unclear.

Labcorp Genetics (formerly Invitae), Labcorp
Classification: Uncertain significance for Ataxia-telangiectasia-like disorder. Last evaluated: 2021-09-01. Review status: criteria provided, single submitter. Criteria: Invitae Variant Classification Sherloc (09022015). Collection method: clinical testing. Allele origin: germline.
Comment: This sequence change replaces histidine with arginine at codon 401 of the MRE11 protein (p.His401Arg). The histidine residue is moderately conserved and there is a small physicochemical difference between histidine and arginine. This variant is present in population databases (rs146779325, ExAC 0.003%). This variant has not been reported in the literature in individuals affected with MRE11-related conditions. Algorithms developed to predict the effect of missense changes on protein structure and function output the following: SIFT: "Tolerated"; PolyPhen-2: "Benign"; Align-GVGD: "Class C0". The arginine amino acid residue is found in multiple mammalian species, which suggests that this missense change does not adversely affect protein function. In summary, the available evidence is currently insufficient to determine the role of this variant in disease. Therefore, it has been classified as a Variant of Uncertain Significance.

Gray Institute for Radiation Oncology & Biology, University of Oxford
Classification: other. Review status: no assertion criteria provided. Collection method: not provided. Allele origin: germline. Not counted in ClinVar's aggregate classification.
Comment: Detected by next-generation sequencing & confirmed by Sanger sequencing